The following is an entry in ClinVar:

ClinVar aggregate classification (germline): Uncertain significance (1 of 4 stars; one submission).

Conditions:
Hereditary cancer-predisposing syndrome. Also called: Tumor predisposition; Hereditary neoplastic syndrome; Hereditary Cancer Syndrome; Neoplastic Syndromes, Hereditary. Identifiers: Orphanet 140162, MedGen C0027672, MeSH D009386, MONDO:0015356.

Allele frequency attached by ClinVar (database versions not stated): TOPMed below 0.00001.
gnomAD v4.1: 1 of 1,611,350 alleles (0.000062%); highest among the groups gnomAD compares: Admixed American, 0.0017%; no homozygotes.

Submission:

Ambry Genetics
Classification: Uncertain significance for Hereditary cancer-predisposing syndrome. Last evaluated: 2023-11-01. Review status: criteria provided, single submitter. Criteria: Ambry Variant Classification Scheme 2023. Collection method: clinical testing. Allele origin: germline.
Comment: The p.P173L variant (also known as c.518C>T), located in coding exon 2 of the BLM gene, results from a C to T substitution at nucleotide position 518. The proline at codon 173 is replaced by leucine, an amino acid with similar properties. This amino acid position is conserved. In addition, this alteration is predicted to be tolerated by in silico analysis. Since supporting evidence is limited at this time, the clinical significance of this alteration remains unclear.

NM_000057.4(BLM):c.518C>T (p.Pro173Leu)

Gene: BLM (BLM RecQ like helicase; plus strand). Cytogenetic location: 15q26.1.
Variant type: single nucleotide variant.
Coding change: c.518C>T on transcript NM_000057.4 (MANE Select); coding-DNA position 518, C replaced by T.
Protein change: p.Pro173Leu; replaces proline 173 with leucine.
Molecular consequence: missense variant. On other transcripts: 5 prime UTR variant (1).
Genome position (GRCh38, 1-based): chr15:90,749,786, C>T. VCF-style: chr15-90749786-C-T. GRCh37 (hg19) VCF-style: chr15-91293016-C-T.
Other names: c.518C>T, p.Pro173Leu (NM_001287246.2, NM_001287247.2); c.-774C>T (NM_001287248.2); short protein forms P173L.
Identifiers: ClinVar variation 3224828 (VCV003224828.1), dbSNP rs762713320, ClinGen allele CA393840961.
Genomic context (GRCh38, chr15:90,749,786, plus strand): 5'-ATTGGGATGATATGGATGACTTTGATACTTCTGAGACTTCAAAATCATTTGTTACACCAC[C>T]CCAAAGTCACTTTGTAAGAGTAAGCACTGCTCAGAAATCAAAAAAGGGTAAGAGAAACTT-3'
Protein context (NP_000048.1, residues 163-183): SETSKSFVTP[Pro173Leu]QSHFVRVSTA